The following is an entry in ClinVar:

ClinVar aggregate classification (germline): Conflicting classifications of pathogenicity. Review status: criteria provided, conflicting classifications (1 of 4 stars). 5 submissions from 5 submitters: Likely pathogenic (2); Uncertain significance (3). Last evaluated 2026-03-10.

Conditions:
Connective tissue disorder. Also called: Connective tissue disease. Identifiers: MedGen C0009782, MONDO:0003900.
Congenital contractural arachnodactyly (CCA). Also called: BEALS SYNDROME; Arthrogryposis, distal, type 9; Beals-Hecht syndrome. Identifiers: Orphanet 115, MedGen C0220668, MONDO:0007363, OMIM 121050.

Submissions (5):

The Genetics Institute, Rambam Health Care Campus
Classification: Likely pathogenic for Congenital contractural arachnodactyly. Last evaluated: 2026-03-10. Review status: criteria provided, single submitter. Criteria: ACMG Guidelines, 2015. Collection method: clinical testing. Allele origin: paternal. Affected: yes.
Comment: [PM2_s, PS3, PS4_sup, PP1, PP3] The p.(Asn1133Ser) variant results in a missense substitution in a highly conserved region located in the Calcium-binding EGF domain. This variant is reported in the literature in a cohort with Beals syndrome (PMID: 31316167). The p.(Asn1133Ser) variant is absent from the Genome Aggregation Database (v.4). Computational analyses predict that this variant is deleterious (REVEL 0.97). Based on the above information, the p.(Asn1133Ser)variant is classified likely pathogenic.

Labcorp Genetics (formerly Invitae), Labcorp
Classification: Uncertain significance for Congenital contractural arachnodactyly. Last evaluated: 2024-01-16. Review status: criteria provided, single submitter. Criteria: Invitae Variant Classification Sherloc (09022015). Collection method: clinical testing. Allele origin: germline.
Comment: This sequence change replaces asparagine, which is neutral and polar, with serine, which is neutral and polar, at codon 1133 of the FBN2 protein (p.Asn1133Ser). This variant is not present in population databases (gnomAD no frequency). This missense change has been observed in individuals with Beals syndrome and/or congenital contractural arachnodactyly (PMID: 31316167; Invitae). ClinVar contains an entry for this variant (Variation ID: 1702409). Advanced modeling of protein sequence and biophysical properties (such as structural, functional, and spatial information, amino acid conservation, physicochemical variation, residue mobility, and thermodynamic stability) performed at Invitae indicates that this missense variant is expected to disrupt FBN2 protein function with a positive predictive value of 80%. In summary, the available evidence is currently insufficient to determine the role of this variant in disease. Therefore, it has been classified as a Variant of Uncertain Significance.

Genome Diagnostics Laboratory, The Hospital for Sick Children
Classification: Uncertain significance for Connective tissue disorder. Last evaluated: 2021-05-17. Review status: criteria provided, single submitter. Criteria: ACMG Guidelines, 2015. Collection method: clinical testing. Allele origin: germline.

Blueprint Genetics
Classification: Uncertain significance. Last evaluated: 2020-01-21. Review status: criteria provided, single submitter. Criteria: ACMG Guidelines, 2015. Collection method: clinical testing. Allele origin: germline.

Juno Genomics, Hangzhou Juno Genomics, Inc
Classification: Likely pathogenic for Congenital contractural arachnodactyly. Review status: criteria provided, single submitter. Criteria: ACMG Guidelines, 2015. Collection method: clinical testing. Allele origin: germline. Affected: yes.
Comment: Absent from controls (or at extremely low frequency if recessive) in Genome Aggregation Database, Exome Sequencing Project, 1000 Genomes Project, or Exome Aggregation Consortium.;Multiple lines of computational evidence support a deleterious effect on the gene or gene product (conservation, evolutionary, splicing impact, etc).;The prevalence of the variant in affected individuals is significantly increased compared to the prevalence in controls.;Patient's phenotype or family history is highly specific for a disease with a single genetic etiology.

Literature cited by the submitters: PubMed 31316167 (cited by The Genetics Institute, Rambam Health Care Campus and Labcorp Genetics (formerly Invitae), Labcorp).

NM_001999.4(FBN2):c.3398A>G (p.Asn1133Ser)

Gene: FBN2 (fibrillin 2; minus strand). Cytogenetic location: 5q23.3.
Variant type: single nucleotide variant.
Coding change: c.3398A>G on transcript NM_001999.4 (MANE Select); coding-DNA position 3398, A replaced by G.
Protein change: p.Asn1133Ser; replaces asparagine 1133 with serine.
Molecular consequence: missense variant.
Genome position (GRCh38, 1-based): chr5:128,339,007, T>C on the plus strand (A>G on the coding strand, the complement: FBN2 is on the minus strand). VCF-style: chr5-128339007-T-C. GRCh37 (hg19) VCF-style: chr5-127674699-T-C.
Other names: short protein forms N1133S.
Identifiers: ClinVar variation 1702409 (VCV001702409.9), dbSNP rs2126903780, ClinGen allele CA360759979.